The following is an entry in ClinVar:

ClinVar aggregate classification (germline): Conflicting classifications of pathogenicity. Review status: criteria provided, conflicting classifications (1 of 4 stars). 5 submissions from 5 submitters: Uncertain significance (4); Likely benign (1). Last evaluated 2026-07-13.

Conditions:
FLNC-related disorder. Also called: FLNC-related disorders; FLNC-related condition.
Myofibrillar myopathy 5. Also called: FILAMINOPATHY, AUTOSOMAL DOMINANT; Filaminopathy (type). Identifiers: Orphanet 171445, MedGen C1836050, MONDO:0012289, OMIM 609524.
Hypertrophic cardiomyopathy 26. Also called: Cardiomyopathy, familial hypertrophic, 26. Identifiers: Orphanet 75249, MedGen C4310749, MONDO:0014883, OMIM 617047.
Distal myopathy with posterior leg and anterior hand involvement. Also called: WILLIAMS DISTAL MYOPATHY. Identifiers: Orphanet 63273, MedGen C3279722, MONDO:0013550, OMIM 614065.
Cardiovascular phenotype. Identifiers: MedGen CN230736.

Allele frequency attached by ClinVar (database versions not stated): ExAC 0.00002; gnomAD 0.00002 and 0.00003; gnomAD exomes 0.00002 and 0.00004; TOPMed 0.00003; ESP Exome Variant Server 0.00016.
gnomAD v4.1: 59 of 1,613,862 alleles (0.0037%); highest among the groups gnomAD compares: East Asian, 0.0045%; no homozygotes.

Submissions (5):

PreventionGenetics, part of Exact Sciences
Classification: Uncertain significance for FLNC-related condition. Last evaluated: 2026-07-13. Review status: criteria provided, single submitter. Criteria: ACMG Guidelines, 2015. Collection method: clinical testing. Allele origin: germline.
Comment: The FLNC c.3005G>A variant is predicted to result in the amino acid substitution p.Arg1002Gln. To our knowledge, this variant has not been reported in the literature. This variant is reported in 0.0055% of alleles in individuals of European (Non-Finnish) descent in gnomAD. At this time, the clinical significance of this variant is uncertain due to the absence of conclusive functional and genetic evidence.

Labcorp Genetics (formerly Invitae), Labcorp
Classification: Uncertain significance for Distal myopathy with posterior leg and anterior hand involvement; Myofibrillar myopathy 5; Hypertrophic cardiomyopathy 26. Last evaluated: 2026-01-25. Review status: criteria provided, single submitter. Criteria: Invitae Variant Classification Sherloc (09022015). Collection method: clinical testing. Allele origin: germline.
Comment: This sequence change replaces arginine, which is basic and polar, with glutamine, which is neutral and polar, at codon 1002 of the FLNC protein (p.Arg1002Gln). This variant is present in population databases (rs202039743, gnomAD 0.006%). This variant has not been reported in the literature in individuals affected with FLNC-related conditions. ClinVar contains an entry for this variant (Variation ID: 472025). Invitae Evidence Modeling of protein sequence and biophysical properties (such as structural, functional, and spatial information, amino acid conservation, physicochemical variation, residue mobility, and thermodynamic stability) has been performed for this missense variant. However, the output from this modeling did not meet the statistical confidence thresholds required to predict the impact of this variant on FLNC protein function. In summary, the available evidence is currently insufficient to determine the role of this variant in disease. Therefore, it has been classified as a Variant of Uncertain Significance.

Ambry Genetics
Classification: Uncertain significance for Cardiovascular phenotype. Last evaluated: 2025-12-07. Review status: criteria provided, single submitter. Criteria: Ambry Variant Classification Scheme 2023. Collection method: clinical testing. Allele origin: germline.
Comment: The p.R1002Q variant (also known as c.3005G>A), located in coding exon 20 of the FLNC gene, results from a G to A substitution at nucleotide position 3005. The arginine at codon 1002 is replaced by glutamine, an amino acid with highly similar properties. This amino acid position is not well conserved in available vertebrate species. In addition, this alteration is predicted to be tolerated by in silico analysis. Since supporting evidence is limited at this time, the clinical significance of this alteration remains unclear.

GeneDx
Classification: Uncertain significance. Last evaluated: 2018-12-19. Review status: criteria provided, single submitter. Criteria: GeneDx Variant Classification (06012015). Collection method: clinical testing. Allele origin: germline. Affected: yes.
Comment: A variant of uncertain significance has been identified in the FLNC gene. The R1002Q variant has not been published as a pathogenic variant, nor has it been reported as a benign variant to our knowledge. The R1002Q variant is observed in 7/126432 (0.01%) alleles from individuals of European background (Lek et al., 2016). The R1002Q variant is a semi-conservative amino acid substitution, which may impact secondary protein structure as these residues differ in some properties. However, in-silico analyses, including protein predictors and evolutionary conservation, support that this variant does not alter protein structure/function. Therefore, based on the currently available information, it is unclear whether this variant is a pathogenic variant or a rare benign variant.

Blueprint Genetics
Classification: Likely benign. Last evaluated: 2018-10-05. Review status: criteria provided, single submitter. Criteria: ACMG Guidelines, 2015. Collection method: clinical testing. Allele origin: germline.

NM_001458.5(FLNC):c.3005G>A (p.Arg1002Gln)

Gene: FLNC (filamin C; plus strand). Cytogenetic location: 7q32.1.
Variant type: single nucleotide variant.
Coding change: c.3005G>A on transcript NM_001458.5 (MANE Select); coding-DNA position 3005, G replaced by A.
Protein change: p.Arg1002Gln; replaces arginine 1002 with glutamine.
Molecular consequence: missense variant.
Genome position (GRCh38, 1-based): chr7:128,844,079, G>A. VCF-style: chr7-128844079-G-A. GRCh37 (hg19) VCF-style: chr7-128484133-G-A.
Other names: c.3005G>A, p.Arg1002Gln (NM_001127487.2); short protein forms R1002Q.
Identifiers: ClinVar variation 472025 (VCV000472025.11), dbSNP rs202039743, ClinGen allele CA4474932.